The following is an entry in ClinVar:

ClinVar aggregate classification (germline): Uncertain significance (1 of 4 stars; one submission).

Conditions:
Hereditary cancer-predisposing syndrome. Also called: Neoplastic Syndromes, Hereditary; Tumor predisposition; Hereditary neoplastic syndrome; Hereditary Cancer Syndrome. Identifiers: Orphanet 140162, MedGen C0027672, MeSH D009386, MONDO:0015356.

Submission:

Ambry Genetics
Classification: Uncertain significance for Hereditary cancer-predisposing syndrome. Last evaluated: 2020-01-09. Review status: criteria provided, single submitter. Criteria: Ambry Variant Classification Scheme 2023. Collection method: clinical testing. Allele origin: germline.
Comment: The p.S1208P variant (also known as c.3622T>C), located in coding exon 7 of the MSH6 gene, results from a T to C substitution at nucleotide position 3622. The serine at codon 1208 is replaced by proline, an amino acid with similar properties. This amino acid position is highly conserved in available vertebrate species. In addition, this alteration is predicted to be deleterious by in silico analysis. Since supporting evidence is limited at this time, the clinical significance of this alteration remains unclear.

NM_000179.3(MSH6):c.3622T>C (p.Ser1208Pro)

Gene: MSH6 (mutS homolog 6; plus strand). Cytogenetic location: 2p16.3.
Variant type: single nucleotide variant.
Coding change: c.3622T>C on transcript NM_000179.3 (MANE Select); coding-DNA position 3622, T replaced by C.
Protein change: p.Ser1208Pro; replaces serine 1208 with proline.
Molecular consequence: missense variant.
Genome position (GRCh38, 1-based): chr2:47,805,683, T>C. VCF-style: chr2-47805683-T-C. GRCh37 (hg19) VCF-style: chr2-48032822-T-C.
Other names: c.3232T>C, p.Ser1078Pro (NM_001281492.2); c.2716T>C, p.Ser906Pro (NM_001281493.2, NM_001281494.2); short protein forms S1078P, S906P, S1208P.
Identifiers: ClinVar variation 824002 (VCV000824002.4), dbSNP rs1572742015, ClinGen allele CA346760589.
Genomic context (GRCh38, chr2:47,805,683, plus strand): 5'-AGTACATTTTTTGTTGAATTAAGTGAAACTGCCAGCATACTCATGCATGCAACAGCACAT[T>C]CTCTGGTGCTTGTGGATGAATTAGGTAAGACATTAAACTTCTCATTTGAAGACTATCTAT-3'
Protein context (NP_000170.1, residues 1198-1218): ASILMHATAH[Ser1208Pro]LVLVDELGRG